The following is an entry in ClinVar:

ClinVar aggregate classification (germline): Uncertain significance (1 of 4 stars; one submission).

Allele frequency attached by ClinVar (database versions not stated): TOPMed below 0.00001; gnomAD 0.00001; gnomAD exomes 0.00001; ExAC 0.00003.
gnomAD v4.1: 16 of 1,607,848 alleles (0.001%); highest among the groups gnomAD compares: Non-Finnish European, 0.0014%; no homozygotes.

Submission:

Labcorp Genetics (formerly Invitae), Labcorp
Classification: Uncertain significance. Last evaluated: 2021-08-30. Review status: criteria provided, single submitter. Criteria: Invitae Variant Classification Sherloc (09022015). Collection method: clinical testing. Allele origin: germline.
Comment: This sequence change replaces tryptophan with arginine at codon 425 of the PLOD3 protein (p.Trp425Arg). The tryptophan residue is highly conserved and there is a moderate physicochemical difference between tryptophan and arginine. This variant is present in population databases (rs759093145, ExAC 0.005%). This variant has not been reported in the literature in individuals affected with PLOD3-related conditions. Algorithms developed to predict the effect of missense changes on protein structure and function (SIFT, PolyPhen-2, Align-GVGD) all suggest that this variant is likely to be disruptive. In summary, the available evidence is currently insufficient to determine the role of this variant in disease. Therefore, it has been classified as a Variant of Uncertain Significance.

NM_001084.5(PLOD3):c.1273T>C (p.Trp425Arg)

Gene: PLOD3 (procollagen-lysine,2-oxoglutarate 5-dioxygenase 3; minus strand). Cytogenetic location: 7q22.1.
Variant type: single nucleotide variant.
Coding change: c.1273T>C on transcript NM_001084.5 (MANE Select); coding-DNA position 1273, T replaced by C.
Protein change: p.Trp425Arg; replaces tryptophan 425 with arginine.
Molecular consequence: missense variant.
Genome position (GRCh38, 1-based): chr7:101,211,676, A>G on the plus strand (T>C on the coding strand, the complement: PLOD3 is on the minus strand). VCF-style: chr7-101211676-A-G. GRCh37 (hg19) VCF-style: chr7-100854957-A-G.
Other names: short protein forms W425R.
Identifiers: ClinVar variation 1380714 (VCV001380714.3), dbSNP rs759093145, ClinGen allele CA4407751.